The following is an entry in ClinVar:

ClinVar aggregate classification (germline): Uncertain significance (1 of 4 stars; one submission).

Conditions:
Multiple congenital exostosis (EXT). Also called: Hereditary multiple osteochondromas; MULTIPLE CARTILAGINOUS EXOSTOSES; Hereditary multiple exostoses; Hereditary multiple exostosis; Multiple osteochondromas; Multiple exostoses. Identifiers: Orphanet 321, MedGen C0015306, MONDO:0005508, HP:0002762.

Submission:

Labcorp Genetics (formerly Invitae), Labcorp
Classification: Uncertain significance for Multiple congenital exostosis. Last evaluated: 2023-12-08. Review status: criteria provided, single submitter. Criteria: Invitae Variant Classification Sherloc (09022015). Collection method: clinical testing. Allele origin: germline.
Comment: This sequence change replaces tyrosine, which is neutral and polar, with histidine, which is basic and polar, at codon 117 of the EXT1 protein (p.Tyr117His). This variant is not present in population databases (gnomAD no frequency). This variant has not been reported in the literature in individuals affected with EXT1-related conditions. Advanced modeling of protein sequence and biophysical properties (such as structural, functional, and spatial information, amino acid conservation, physicochemical variation, residue mobility, and thermodynamic stability) performed at Invitae indicates that this missense variant is not expected to disrupt EXT1 protein function with a negative predictive value of 80%. In summary, the available evidence is currently insufficient to determine the role of this variant in disease. Therefore, it has been classified as a Variant of Uncertain Significance.

NM_000127.3(EXT1):c.349T>C (p.Tyr117His)

Gene: EXT1 (exostosin glycosyltransferase 1; minus strand). Cytogenetic location: 8q24.11.
Variant type: single nucleotide variant.
Coding change: c.349T>C on transcript NM_000127.3 (MANE Select); coding-DNA position 349, T replaced by C.
Protein change: p.Tyr117His; replaces tyrosine 117 with histidine.
Molecular consequence: missense variant.
Genome position (GRCh38, 1-based): chr8:118,110,698, A>G on the plus strand (T>C on the coding strand, the complement: EXT1 is on the minus strand). VCF-style: chr8-118110698-A-G. GRCh37 (hg19) VCF-style: chr8-119122937-A-G.
Other names: short protein forms Y117H.
Identifiers: ClinVar variation 2701456 (VCV002701456.3), dbSNP rs2488052498, ClinGen allele CA371916049.